The following is an entry in ClinVar:

ClinVar aggregate classification (germline): Uncertain significance (1 of 4 stars; one submission).

Conditions:
Neuroblastoma, susceptibility to, 3. Also called: ALK-Related Neuroblastic Tumor Susceptibility. Identifiers: Orphanet 635, MedGen C2751681, MONDO:0013083, OMIM 613014.

Submission:

Labcorp Genetics (formerly Invitae), Labcorp
Classification: Uncertain significance for Neuroblastoma, susceptibility to, 3. Last evaluated: 2021-05-10. Review status: criteria provided, single submitter. Criteria: Invitae Variant Classification Sherloc (09022015). Collection method: clinical testing. Allele origin: germline.
Comment: This sequence change replaces glutamic acid with glutamine at codon 310 of the ALK protein (p.Glu310Gln). The glutamic acid residue is moderately conserved and there is a small physicochemical difference between glutamic acid and glutamine. This variant is not present in population databases (ExAC no frequency). This variant has not been reported in the literature in individuals with ALK-related conditions. Algorithms developed to predict the effect of missense changes on protein structure and function are either unavailable or do not agree on the potential impact of this missense change (SIFT: "Deleterious"; PolyPhen-2: "Possibly Damaging"; Align-GVGD: "Class C0"). In summary, the available evidence is currently insufficient to determine the role of this variant in disease. Therefore, it has been classified as a Variant of Uncertain Significance.

NM_004304.5(ALK):c.928G>C (p.Glu310Gln)

Gene: ALK (ALK receptor tyrosine kinase; minus strand). Cytogenetic location: 2p23.2.
Variant type: single nucleotide variant.
Coding change: c.928G>C on transcript NM_004304.5 (MANE Select); coding-DNA position 928, G replaced by C.
Protein change: p.Glu310Gln; replaces glutamic acid 310 with glutamine.
Molecular consequence: missense variant.
Genome position (GRCh38, 1-based): chr2:29,694,874, C>G on the plus strand (G>C on the coding strand, the complement: ALK is on the minus strand). VCF-style: chr2-29694874-C-G. GRCh37 (hg19) VCF-style: chr2-29917740-C-G.
Other names: short protein forms E310Q.
Identifiers: ClinVar variation 1352557 (VCV001352557.8), dbSNP rs2148289633, ClinGen allele CA346586856.
Genomic context (GRCh38, chr2:29,694,874, plus strand): 5'-ACCCACCCAGGACATCACCAGCAGCCTCTCCCTTACCTCTGGGCATCTCCTTAGAACGCT[C>G]TGCCCCAGGCCCATCCAGCAAGTCCATCTGGGAGGCCTCCTCGGAGGGGATGCGGCGCCA-3'
Protein context (NP_004295.2, residues 300-320): QMDLLDGPGA[Glu310Gln]RSKEMPRGSF